The following is an entry in ClinVar:

NC_012920.1(MT-TQ):m.4343A>G

Gene: MT-TQ (mitochondrially encoded tRNA glutamine; minus strand).
Variant type: single nucleotide variant.
Genome position: chrM-4343-A-G.
Identifiers: ClinVar variation 689889 (VCV000689889.1), dbSNP rs386828939, ClinGen allele CA913177799.

ClinVar aggregate classification (germline): Benign (1 of 4 stars; one submission).

Conditions:
MELAS syndrome (MELAS). Also called: Juvenile myopathy, encephalopathy, lactic acidosis, stroke. Identifiers: Orphanet 550, MedGen C0162671, MONDO:0010789, OMIM 540000.

Submission:

Wong Mito Lab, Molecular and Human Genetics, Baylor College of Medicine
Classification: Benign for MELAS syndrome. Last evaluated: 2019-07-12. Review status: criteria provided, single submitter. Criteria: Modified ACMG Guidelines (Unpublished). Collection method: clinical testing. Allele origin: germline.
Comment: The NC_012920.1:m.4343A>G variant in MT-TQ gene is interpreted to be a Benign variant based on the modified ACMG guidelines (unpublished). This variant meets the following evidence codes reported in the guidelines: BS1, BS4, BP4

Literature cited by the submitters: PubMed 31965079.